The following is an entry in ClinVar:

ClinVar aggregate classification (germline): other (0 of 4 stars; one submission).

Conditions:
Familial colorectal cancer. Identifiers: MedGen CN280943, MONDO:0023113. Disease mechanism: loss of function.

Allele frequency attached by ClinVar (database versions not stated): 1000 Genomes Project 30x 0.23907; TOPMed 0.22510; 1000 Genomes Project 0.23862; gnomAD 0.21713 and 0.22099.
gnomAD v4.1: 31,313 of 144,862 alleles (22%); highest among the groups gnomAD compares: African/African-American, 44%; 4,777 homozygotes.

Submission:

Systems Biology Platform Zhejiang California International NanoSystems Institute
Classification: other for Familial colorectal cancer. Review status: no assertion criteria provided. Collection method: not provided. Allele origin: unknown.
ClinVar note: Converted during submission from cancer to other.

NM_000038.6(APC):c.730-2139C>T

Gene: APC (APC regulator of WNT signaling pathway; plus strand). Cytogenetic location: 5q22.2.
Variant type: single nucleotide variant.
Coding change: c.730-2139C>T on transcript NM_000038.6 (MANE Select); 2139 bases into the intron before coding-DNA position 730, C replaced by T.
Molecular consequence: intron variant.
Genome position (GRCh38, 1-based): chr5:112,799,140, C>T. VCF-style: chr5-112799140-C-T. GRCh37 (hg19) VCF-style: chr5-112134837-C-T.
Other names: c.730-2139C>T (NM_001354895.2, NM_001127510.3, NM_001354896.2 and 1 more transcripts); c.760-2139C>T (NM_001354897.2, NM_001354902.2); c.676-2139C>T (NM_001127511.3); c.655-2139C>T (NM_001354898.2, NM_001354904.2); c.-306-2139C>T (NM_001354906.2); c.646-2139C>T (NM_001354899.2); c.553-2139C>T (NM_001354900.2, NM_001354901.2, NM_001354905.2).
Identifiers: ClinVar variation 82505 (VCV000082505.2), dbSNP rs1644240, ClinGen allele CA013433.